The following is an entry in ClinVar:

NM_020066.5(FMN2):c.3183G>A (p.Ala1061=)

Gene: FMN2 (formin 2; plus strand). Cytogenetic location: 1q43.
Variant type: single nucleotide variant.
Coding change: c.3183G>A on transcript NM_020066.5 (MANE Select); coding-DNA position 3183, G replaced by A.
Protein change: p.Ala1061=; no amino-acid change (alanine 1061 retained).
Molecular consequence: synonymous variant. On other transcripts: intron variant (1).
Genome position (GRCh38, 1-based): chr1:240,207,995, G>A. VCF-style: chr1-240207995-G-A. GRCh37 (hg19) VCF-style: chr1-240371295-G-A.
Other names: c.3195G>A, p.Ala1065= (NM_001305424.2); c.1986+19733G>A (NM_001348094.2).
Identifiers: ClinVar variation 871331 (VCV000871331.41), dbSNP rs1349785596, ClinGen allele CA424385537.

ClinVar aggregate classification (germline): Likely benign (1 of 4 stars; one submission).

Submission:

CeGaT Center for Human Genetics Tuebingen
Classification: Likely benign. Last evaluated: 2026-07-01. Review status: criteria provided, single submitter. Criteria: CeGaT Center For Human Genetics Tuebingen Variant Classification Criteria Version 2. Collection method: clinical testing. Allele origin: germline. Affected: yes. Observed: 11 variant alleles.
Comment: FMN2: BP4, BP7